The following is an entry in ClinVar:

ClinVar aggregate classification (germline): Uncertain significance (1 of 4 stars; one submission).

Conditions:
Epileptic encephalopathy. Identifiers: MedGen C0543888, HP:0200134.

gnomAD v4.1: 2 of 1,613,882 alleles (0.00012%); highest among the groups gnomAD compares: Non-Finnish European, 0.00017%; no homozygotes.

Submission:

Labcorp Genetics (formerly Invitae), Labcorp
Classification: Uncertain significance for Epileptic encephalopathy. Last evaluated: 2019-11-06. Review status: criteria provided, single submitter. Criteria: Invitae Variant Classification Sherloc (09022015). Collection method: clinical testing. Allele origin: germline.
Comment: In summary, the available evidence is currently insufficient to determine the role of this variant in disease. Therefore, it has been classified as a Variant of Uncertain Significance. Algorithms developed to predict the effect of missense changes on protein structure and function (SIFT, PolyPhen-2, Align-GVGD) all suggest that this variant is likely to be tolerated, but these predictions have not been confirmed by published functional studies and their clinical significance is uncertain. This variant has not been reported in the literature in individuals with GABBR2-related conditions. This variant is not present in population databases (ExAC no frequency). This sequence change replaces asparagine with serine at codon 343 of the GABBR2 protein (p.Asn343Ser). The asparagine residue is highly conserved and there is a small physicochemical difference between asparagine and serine.

NM_005458.8(GABBR2):c.1028A>G (p.Asn343Ser)

Gene: GABBR2 (gamma-aminobutyric acid type B receptor subunit 2; minus strand). Cytogenetic location: 9q22.33.
Variant type: single nucleotide variant.
Coding change: c.1028A>G on transcript NM_005458.8 (MANE Select); coding-DNA position 1028, A replaced by G.
Protein change: p.Asn343Ser; replaces asparagine 343 with serine.
Molecular consequence: missense variant.
Genome position (GRCh38, 1-based): chr9:98,454,189, T>C on the plus strand (A>G on the coding strand, the complement: GABBR2 is on the minus strand). VCF-style: chr9-98454189-T-C. GRCh37 (hg19) VCF-style: chr9-101216471-T-C.
Other names: short protein forms N343S.
Identifiers: ClinVar variation 969506 (VCV000969506.9), dbSNP rs1826284598, ClinGen allele CA374350746.
Genomic context (GRCh38, chr9:98,454,189, plus strand): 5'-CAGATGCCATCGTAGGCGTACCCGTGGAACTTGCTGGGCCCCACGCCTGACCGCTTGTTG[T>C]TGTACTCTCTCTCATACTGCTGTGGAGTCTGGAAAAACAGGGGATTGGGGGAATCCCAAG-3'
Protein context (NP_005449.5, residues 333-353): KTPQQYEREY[Asn343Ser]NKRSGVGPSK